The following is an entry in ClinVar:

NM_000901.5(NR3C2):c.1398T>C (p.Tyr466=)

Gene: NR3C2 (nuclear receptor subfamily 3 group C member 2; minus strand). Cytogenetic location: 4q31.23.
Variant type: single nucleotide variant.
Coding change: c.1398T>C on transcript NM_000901.5 (MANE Select); coding-DNA position 1398, T replaced by C.
Protein change: p.Tyr466=; no amino-acid change (tyrosine 466 retained).
Molecular consequence: synonymous variant. On other transcripts: non-coding transcript variant (1).
Genome position (GRCh38, 1-based): chr4:148,435,463, A>G on the plus strand (T>C on the coding strand, the complement: NR3C2 is on the minus strand). VCF-style: chr4-148435463-A-G. GRCh37 (hg19) VCF-style: chr4-149356615-A-G.
Other names: c.1398T>C, p.Tyr466= (NM_001166104.2, NM_001354819.1).
Identifiers: ClinVar variation 347732 (VCV000347732.13), dbSNP rs5524, ClinGen allele CA3100313.
Genomic context (GRCh38, chr4:148,435,463, plus strand): 5'-GCCTTCACAGTTACCATCAAAGCCGGGCACAGGTGGTCCTAAAATTCCTGATAGGGAATA[A>G]TAGTCTTTATCATCCATAAAGGAAAAATACGAGCCATCCATAAATGGAAACGGGTTTACT-3'
Protein context (NP_000892.2, residues 456-476): SYFSFMDDKD[Tyr466=]YSLSGILGPP

ClinVar aggregate classification (germline): Benign/Likely benign. Review status: criteria provided, multiple submitters, no conflicts (2 of 4 stars). 4 submissions from 4 submitters: Benign (1); Likely benign (3). Last evaluated 2024-10-22.

Conditions:
Autosomal dominant pseudohypoaldosteronism type 1. Also called: PHA I, AUTOSOMAL DOMINANT; Pseudohypoaldosteronism, Type I, Dominant; Pseudohypoaldosteronism, Type I, Autosomal Dominant. Identifiers: Orphanet 171871, Orphanet 756, MedGen C1449842, MONDO:0008329, OMIM 177735.
Pseudohyperaldosteronism type 2. Identifiers: Orphanet 88660, MedGen C1854631, MONDO:0011517, OMIM 605115.

Allele frequency attached by ClinVar (database versions not stated): 1000 Genomes Project 30x 0.00016; 1000 Genomes Project 0.00020; ExAC 0.00023; TOPMed 0.00027; gnomAD exomes 0.00030 and 0.00050; ESP Exome Variant Server 0.00031; gnomAD 0.00031 and 0.00033.
gnomAD v4.1: 763 of 1,614,232 alleles (0.047%); highest among the groups gnomAD compares: Non-Finnish European, 0.061%; 1 homozygote.

Submissions (4):

Labcorp Genetics (formerly Invitae), Labcorp
Classification: Likely benign. Last evaluated: 2024-10-22. Review status: criteria provided, single submitter. Criteria: Invitae Variant Classification Sherloc (09022015). Collection method: clinical testing. Allele origin: germline.

Blueprint Genetics
Classification: Likely benign. Last evaluated: 2024-10-14. Review status: criteria provided, single submitter. Criteria: ACMG Guidelines, 2015. Collection method: clinical testing. Allele origin: germline.

Fulgent Genetics
Classification: Likely benign for Autosomal dominant pseudohypoaldosteronism type 1; Pseudohyperaldosteronism type 2. Last evaluated: 2022-04-01. Review status: criteria provided, single submitter. Criteria: ACMG Guidelines, 2015. Collection method: clinical testing. Allele origin: unknown.

Illumina Laboratory Services, Illumina
Classification: Benign for Autosomal dominant pseudohypoaldosteronism type 1. Last evaluated: 2018-01-13. Review status: criteria provided, single submitter. Criteria: ICSL Variant Classification Criteria 13 December 2019. Collection method: clinical testing. Allele origin: germline.
Comment: This variant was observed in the ICSL laboratory as part of a predisposition screen in an ostensibly healthy population. It had not been previously curated by ICSL or reported in the Human Gene Mutation Database (HGMD: prior to June 1st, 2018), and was therefore a candidate for classification through an automated scoring system. Utilizing variant allele frequency, disease prevalence and penetrance estimates, and inheritance mode, an automated score was calculated to assess if this variant is too frequent to cause the disease. Based on the score and internal cut-off values, a variant classified as benign is not then subjected to further curation. The score for this variant resulted in a classification of benign for this disease.